The following is an entry in ClinVar:

ClinVar aggregate classification (germline): Uncertain significance (1 of 4 stars; one submission).

Submission:

GeneDx
Classification: Uncertain significance. Last evaluated: 2025-02-05. Review status: criteria provided, single submitter. Criteria: GeneDx Variant Classification Process June 2021. Collection method: clinical testing. Allele origin: germline. Affected: yes.
Comment: Not observed at significant frequency in large population cohorts (gnomAD); In silico analysis indicates that this missense variant does not alter protein structure/function; Has not been previously published as pathogenic or benign to our knowledge

NM_020732.3:c.1744G>C

Gene: ARID1B (AT-rich interaction domain 1B; plus strand).
Variant type: single nucleotide variant.
Other names: c.1744G>C (NM_020732.3).
Identifiers: ClinVar variation 4074357 (VCV004074357.1).